The following is an entry in ClinVar:

NM_005609.4(PYGM):c.1138_1144del (p.Val380fs)

Gene: PYGM (glycogen phosphorylase, muscle associated; minus strand). Cytogenetic location: 11q13.1.
Variant type: Deletion.
Coding change: c.1138_1144del on transcript NM_005609.4 (MANE Select); coding-DNA positions 1138 to 1144, 7 bases deleted (GTGCTGC; older notation c.1138_1144delGTGCTGC).
Protein change: p.Val380fs; shifts the reading frame from valine 380.
Molecular consequence: frameshift variant.
Genome position (GRCh38, 1-based): chr11:64,753,974-64,753,980, GCAGCAC deleted on the plus strand (GTGCTGC on the coding strand, the reverse complement: PYGM is on the minus strand). VCF-style (leftmost placement, unchanged base first): chr11-64753973-GGCAGCAC-G. GRCh37 (hg19) VCF-style: chr11-64521445-GGCAGCAC-G.
Other names: c.874_880del, p.Val292fs (NM_001164716.1); short protein forms V380fs, V292fs.
Identifiers: ClinVar variation 1355803 (VCV001355803.6), dbSNP rs2135834073, ClinGen allele CA2573147425.
Genomic context (GRCh38, chr11:64,753,973, plus strand): 5'-TGGAGGTGCCGCGGCAGCAGCGTCTCCAAGAGGTGCACCGGCCAGCGCTCCAGGGCCTCG[GGCAGCAC>G]CGTGTGGTTGGTGTAGGCACAGGTCCTCACTGTCACATCCCACGCCTGGCACACGGGGTG-3'

ClinVar aggregate classification (germline): Pathogenic (1 of 4 stars; one submission).

Conditions:
Glycogen storage disease, type V (GSD5). Also called: PYGM DEFICIENCY; MCARDLE DISEASE; MUSCLE GLYCOGEN PHOSPHORYLASE DEFICIENCY; MYOPHOSPHORYLASE DEFICIENCY; McArdle type glycogen storage disease. Identifiers: Orphanet 368, MedGen C0017924, MONDO:0009293, OMIM 232600.

Submission:

Labcorp Genetics (formerly Invitae), Labcorp
Classification: Pathogenic for Glycogen storage disease, type V. Last evaluated: 2020-12-04. Review status: criteria provided, single submitter. Criteria: Invitae Variant Classification Sherloc (09022015). Collection method: clinical testing. Allele origin: germline.
Comment: For these reasons, this variant has been classified as Pathogenic. This variant has not been reported in the literature in individuals with PYGM-related conditions. This variant is not present in population databases (ExAC no frequency). This sequence change creates a premature translational stop signal (p.Val380Profs*42) in the PYGM gene. It is expected to result in an absent or disrupted protein product. Loss-of-function variants in PYGM are known to be pathogenic (PMID: 8316268, 16786513).

Literature cited by the submitters: PubMed 8316268; PubMed 16786513.